The following is an entry in ClinVar:

ClinVar aggregate classification (germline): Uncertain significance (1 of 4 stars; one submission).

gnomAD v4.1: 7 of 1,613,202 alleles (0.00043%); highest among the groups gnomAD compares: African/African-American, 0.0067%; no homozygotes.

Submission:

Labcorp Genetics (formerly Invitae), Labcorp
Classification: Uncertain significance. Last evaluated: 2024-10-11. Review status: criteria provided, single submitter. Criteria: Invitae Variant Classification Sherloc (09022015). Collection method: clinical testing. Allele origin: germline.
Comment: This sequence change replaces lysine, which is basic and polar, with arginine, which is basic and polar, at codon 490 of the INPPL1 protein (p.Lys490Arg). This variant is present in population databases (rs771090130, gnomAD 0.008%). This variant has not been reported in the literature in individuals affected with INPPL1-related conditions. An algorithm developed to predict the effect of missense changes on protein structure and function (PolyPhen-2) suggests that this variant is likely to be tolerated. In summary, the available evidence is currently insufficient to determine the role of this variant in disease. Therefore, it has been classified as a Variant of Uncertain Significance.

NM_001567.4(INPPL1):c.1469A>G (p.Lys490Arg)

Gene: INPPL1 (inositol polyphosphate phosphatase like 1; plus strand). Cytogenetic location: 11q13.4.
Variant type: single nucleotide variant.
Coding change: c.1469A>G on transcript NM_001567.4 (MANE Select); coding-DNA position 1469, A replaced by G.
Protein change: p.Lys490Arg; replaces lysine 490 with arginine.
Molecular consequence: missense variant.
Genome position (GRCh38, 1-based): chr11:72,231,161, A>G. VCF-style: chr11-72231161-A-G. GRCh37 (hg19) VCF-style: chr11-71942205-A-G.
Other names: short protein forms K490R.
Identifiers: ClinVar variation 3674287 (VCV003674287.2).